The following is an entry in ClinVar:

NM_002529.4(NTRK1):c.2284G>C (p.Gly762Arg)

Gene: NTRK1 (neurotrophic receptor tyrosine kinase 1; plus strand). Cytogenetic location: 1q23.1.
Variant type: single nucleotide variant.
Coding change: c.2284G>C on transcript NM_002529.4 (MANE Select); coding-DNA position 2284, G replaced by C.
Protein change: p.Gly762Arg; replaces glycine 762 with arginine.
Molecular consequence: missense variant.
Genome position (GRCh38, 1-based): chr1:156,881,535, G>C. VCF-style: chr1-156881535-G-C. GRCh37 (hg19) VCF-style: chr1-156851327-G-C.
Other names: c.2284G>C, p.Gly762Arg (NM_001007204.1); c.2176G>C, p.Gly726Arg (NM_001007792.1); c.2266G>C, p.Gly756Arg (NM_001012331.2); short protein forms G726R, G756R, G762R.
Identifiers: ClinVar variation 2157544 (VCV002157544.2), dbSNP rs775984846, ClinGen allele CA1169624.

ClinVar aggregate classification (germline): Uncertain significance. Review status: criteria provided, multiple submitters, no conflicts (2 of 4 stars). 2 submissions from 2 submitters: Uncertain significance (2). Last evaluated 2025-01-09.

Conditions:
Inborn genetic diseases. Identifiers: MedGen C0950123, MeSH D030342.
Hereditary insensitivity to pain with anhidrosis (CIPA). Also called: FAMILIAL DYSAUTONOMIA, TYPE II; HSAN Type IV; NTRK1 Congenital Insensitivity to Pain with Anhidrosis; INSENSITIVITY TO PAIN, CONGENITAL, WITH ANHIDROSIS; hereditary sensory and autonomic neuropathy type 4; NEUROPATHY, CONGENITAL SENSORY, WITH ANHIDROSIS. Identifiers: Orphanet 642, MedGen C0020074, MONDO:0009746, OMIM 256800.

Allele frequency attached by ClinVar (database versions not stated): gnomAD 0.00001; TOPMed 0.00001; ExAC 0.00006.
gnomAD v4.1: 18 of 1,604,462 alleles (0.0011%); highest among the groups gnomAD compares: South Asian, 0.018%; no homozygotes.

Submissions (2):

Ambry Genetics
Classification: Uncertain significance for Inborn genetic diseases. Last evaluated: 2025-01-09. Review status: criteria provided, single submitter. Criteria: Ambry Variant Classification Scheme 2023. Collection method: clinical testing. Allele origin: germline.

Labcorp Genetics (formerly Invitae), Labcorp
Classification: Uncertain significance for Hereditary insensitivity to pain with anhidrosis. Last evaluated: 2022-08-22. Review status: criteria provided, single submitter. Criteria: Invitae Variant Classification Sherloc (09022015). Collection method: clinical testing. Allele origin: germline.
Comment: This sequence change replaces glycine, which is neutral and non-polar, with arginine, which is basic and polar, at codon 756 of the NTRK1 protein (p.Gly756Arg). This variant is present in population databases (rs775984846, gnomAD 0.02%). This variant has not been reported in the literature in individuals affected with NTRK1-related conditions. Algorithms developed to predict the effect of missense changes on protein structure and function (SIFT, PolyPhen-2, Align-GVGD) all suggest that this variant is likely to be disruptive. In summary, the available evidence is currently insufficient to determine the role of this variant in disease. Therefore, it has been classified as a Variant of Uncertain Significance.